The following is an entry in ClinVar:

ClinVar aggregate classification (germline): Uncertain significance (1 of 4 stars; one submission).

Submission:

Clinical Genomics Laboratory, Washington University in St. Louis
Classification: Uncertain significance. Last evaluated: 2023-12-21. Review status: criteria provided, single submitter. Criteria: ACMG Guidelines, 2015. Collection method: clinical testing. Allele origin: germline.
Comment: The ASIC2 c.976C>T (p.Gln326Ter) variant, to our knowledge, has not been reported in the medical literature and is absent from the general population (gnomAD v.2.1.1), indicating it is not a common variant. This variant results in a premature termination codon, which is predicted to lead to nonsense mediated decay. Due to limited information, the clinical significance of this variant is uncertain.

NM_183377.2(ASIC2):c.976C>T (p.Gln326Ter)

Gene: ASIC2 (acid sensing ion channel subunit 2; minus strand). Cytogenetic location: 17q11.2.
Variant type: single nucleotide variant.
Coding change: c.976C>T on transcript NM_183377.2 (MANE Select); coding-DNA position 976, C replaced by T.
Protein change: p.Gln326Ter; replaces glutamine 326 with a stop codon.
Molecular consequence: nonsense.
Genome position (GRCh38, 1-based): chr17:33,088,874, G>A on the plus strand (C>T on the coding strand, the complement: ASIC2 is on the minus strand). VCF-style: chr17-33088874-G-A. GRCh37 (hg19) VCF-style: chr17-31415892-G-A.
Other names: c.823C>T, p.Gln275Ter (NM_001094.5); short protein forms Q275*, Q326*.
Identifiers: ClinVar variation 3236587 (VCV003236587.1), dbSNP rs2508903013, ClinGen allele CA399207248.